The following is an entry in ClinVar:

NM_002662.5(PLD1):c.2436C>G (p.Asn812Lys)

Gene: PLD1 (phospholipase D1; minus strand). Cytogenetic location: 3q26.31.
Variant type: single nucleotide variant.
Coding change: c.2436C>G on transcript NM_002662.5 (MANE Select); coding-DNA position 2436, C replaced by G.
Protein change: p.Asn812Lys; replaces asparagine 812 with lysine.
Molecular consequence: missense variant.
Genome position (GRCh38, 1-based): chr3:171,645,017, G>C on the plus strand (C>G on the coding strand, the complement: PLD1 is on the minus strand). VCF-style: chr3-171645017-G-C. GRCh37 (hg19) VCF-style: chr3-171362807-G-C.
Other names: c.2322C>G, p.Asn774Lys (NM_001130081.3); short protein forms N774K, N812K.
Identifiers: ClinVar variation 2654278 (VCV002654278.24), dbSNP rs2473686811, ClinGen allele CA355529823.
Genomic context (GRCh38, chr3:171,645,017, plus strand): 5'-TGAAATGTCTCCTTCGAACCCTGGCAGAAGTGGTATCACGACATATACCCGGTATTTCTG[G>C]TTTTCCCTGCAAAGGTCAGATGCAGAGAAATTCACCCAAAAAATAAAAGGTAGTATCAAT-3'
Protein context (NP_002653.1, residues 802-822): AQRILKAHRE[Asn812Lys]QKYRVYVVIP

ClinVar aggregate classification (germline): Uncertain significance (1 of 4 stars; one submission).

Submission:

CeGaT Center for Human Genetics Tuebingen
Classification: Uncertain significance. Last evaluated: 2023-08-01. Review status: criteria provided, single submitter. Criteria: CeGaT Center For Human Genetics Tuebingen Variant Classification Criteria Version 2. Collection method: clinical testing. Allele origin: germline. Affected: yes. Observed: 1 variant allele.
Comment: PLD1: PM2, BP4